The following is an entry in ClinVar:

ClinVar aggregate classification (germline): Uncertain significance (1 of 4 stars; one submission).

Conditions:
Hereditary cancer-predisposing syndrome. Also called: Neoplastic Syndromes, Hereditary; Tumor predisposition; Hereditary Cancer Syndrome; Hereditary neoplastic syndrome. Identifiers: Orphanet 140162, MedGen C0027672, MeSH D009386, MONDO:0015356.

Submission:

Ambry Genetics
Classification: Uncertain significance for Hereditary cancer-predisposing syndrome. Last evaluated: 2024-09-16. Review status: criteria provided, single submitter. Criteria: Ambry Variant Classification Scheme 2023. Collection method: clinical testing. Allele origin: germline.
Comment: The p.L1217F variant (also known as c.3649C>T), located in coding exon 30 of the POLE gene, results from a C to T substitution at nucleotide position 3649. The leucine at codon 1217 is replaced by phenylalanine, an amino acid with highly similar properties. This amino acid position is conserved. In addition, this alteration is predicted to be tolerated by in silico analysis. Based on the available evidence, the clinical significance of this variant remains unclear.

NM_006231.4(POLE):c.3649C>T (p.Leu1217Phe)

Gene: POLE (DNA polymerase epsilon, catalytic subunit; minus strand). Cytogenetic location: 12q24.33.
Variant type: single nucleotide variant.
Coding change: c.3649C>T on transcript NM_006231.4 (MANE Select); coding-DNA position 3649, C replaced by T.
Protein change: p.Leu1217Phe; replaces leucine 1217 with phenylalanine.
Molecular consequence: missense variant.
Genome position (GRCh38, 1-based): chr12:132,649,823, G>A on the plus strand (C>T on the coding strand, the complement: POLE is on the minus strand). VCF-style: chr12-132649823-G-A. GRCh37 (hg19) VCF-style: chr12-133226409-G-A.
Other names: short protein forms L1217F.
Identifiers: ClinVar variation 3422163 (VCV003422163.1).